The following is an entry in ClinVar:

NM_174941.6(CD163L1):c.3378G>A (p.Arg1126=)

Gene: CD163L1 (CD163 molecule like 1; minus strand). Cytogenetic location: 12p13.31.
Variant type: single nucleotide variant.
Coding change: c.3378G>A on transcript NM_174941.6 (MANE Select); coding-DNA position 3378, G replaced by A.
Protein change: p.Arg1126=; no amino-acid change (arginine 1126 retained).
Molecular consequence: synonymous variant.
Genome position (GRCh38, 1-based): chr12:7,374,473, C>T on the plus strand (G>A on the coding strand, the complement: CD163L1 is on the minus strand). VCF-style: chr12-7374473-C-T. GRCh37 (hg19) VCF-style: chr12-7527069-C-T.
Other names: c.3408G>A, p.Arg1136= (NM_001297650.2).
Identifiers: ClinVar variation 2642671 (VCV002642671.24), dbSNP rs1423059438, ClinGen allele CA478206934.
Genomic context (GRCh38, chr12:7,374,473, plus strand): 5'-GAGGAGGGTGAAAAGGTAGCAGCACAGACCTGAGCAGATGACCCCTGCGTCCTCCTTGTG[C>T]CTGCAGTCGTGCTGCCCCCAGCCGCGGGAAGGGCACTGCCACAAGTGGGACTCCATTCCT-3'
Protein context (NP_777601.3, residues 1116-1136): PSRGWGQHDC[Arg1126=]HKEDAGVICS

ClinVar aggregate classification (germline): Likely benign (1 of 4 stars; one submission).

Allele frequency attached by ClinVar (database versions not stated): gnomAD exomes below 0.00001.
gnomAD v4.1: 1 of 1,613,768 alleles (0.000062%); highest among the groups gnomAD compares: Non-Finnish European, 0.000085%; no homozygotes.

Submission:

CeGaT Center for Human Genetics Tuebingen
Classification: Likely benign. Last evaluated: 2026-05-01. Review status: criteria provided, single submitter. Criteria: CeGaT Center For Human Genetics Tuebingen Variant Classification Criteria Version 2. Collection method: clinical testing. Allele origin: germline. Affected: yes. Observed: 3 variant alleles.
Comment: CD163L1: BP4, BP7